The following is an entry in ClinVar:

ClinVar aggregate classification (germline): Benign (1 of 4 stars; one submission).

Allele frequency attached by ClinVar (database versions not stated): 1000 Genomes Project 30x 0.59307; 1000 Genomes Project 0.59405; TOPMed 0.61682; gnomAD 0.62629; gnomAD exomes 0.63649.
gnomAD v4.1: 674,732 of 1,064,342 alleles (63%); highest among the groups gnomAD compares: Non-Finnish European, 66%; 215,568 homozygotes.

Submission:

Unidad de Genómica Garrahan, Hospital de Pediatría Garrahan
Classification: Benign. Last evaluated: 2024-01-24. Review status: criteria provided, single submitter. Criteria: ACMG Guidelines, 2015. Collection method: clinical testing. Allele origin: germline. Affected: no. Observed: 69 variant alleles.
Comment: This variant is classified as Benign based on local population frequency. This variant was detected in 78% of patients studied by a panel of primary immunodeficiencies. Number of patients: 69. Only high quality variants are reported.

NM_001040458.3(ERAP1):c.1524+89G>A

Gene: ERAP1 (endoplasmic reticulum aminopeptidase 1; minus strand). Cytogenetic location: 5q15.
Variant type: single nucleotide variant.
Coding change: c.1524+89G>A on transcript NM_001040458.3 (MANE Select); 89 bases into the intron after coding-DNA position 1524, G replaced by A.
Molecular consequence: intron variant.
Genome position (GRCh38, 1-based): chr5:96,790,207, C>T on the plus strand (G>A on the coding strand, the complement: ERAP1 is on the minus strand). VCF-style: chr5-96790207-C-T. GRCh37 (hg19) VCF-style: chr5-96125910-C-T.
Other names: c.1524+89G>A (NM_001349244.2, NM_016442.5, NM_001198541.3).
Identifiers: ClinVar variation 2688360 (VCV002688360.2), dbSNP rs26510, ClinGen allele CA15370475.